The following is an entry in ClinVar:

ClinVar aggregate classification (germline): Likely benign (1 of 4 stars; one submission).

Conditions:
Glanzmann thrombasthenia. Also called: PLATELET GLYCOPROTEIN IIb-IIIa DEFICIENCY; Thrombasthenia; Glanzmann's thrombasthenia; BLEEDING DISORDER, PLATELET-TYPE, 2; THROMBASTHENIA OF GLANZMANN AND NAEGELI. Identifiers: Orphanet 849, MedGen C0040015, MONDO:0100326.

Allele frequency attached by ClinVar (database versions not stated): gnomAD 0.01579 and 0.01652; TOPMed 0.01821; 1000 Genomes Project 0.02216; 1000 Genomes Project 30x 0.02217.

Submission:

Illumina Laboratory Services, Illumina
Classification: Likely benign for Glanzmann thrombasthenia 1. Last evaluated: 2017-04-28. Review status: criteria provided, single submitter. Criteria: ICSL Variant Classification Criteria 13 December 2019. Collection method: clinical testing. Allele origin: germline.
Comment: This variant was observed as part of a predisposition screen in an ostensibly healthy population. A literature search was performed for the gene, cDNA change, and amino acid change (where applicable). No publications were found based on this search. Allele frequency data from public databases allowed determination this variant is unlikely to cause disease. Therefore, this variant is classified as likely benign.

NM_000212.3(ITGB3):c.*1542C>T

Genes: ITGB3 (integrin subunit beta 3; plus strand), EFCAB13-DT (EFCAB13 divergent transcript; minus strand). Cytogenetic location: 17q21.32.
Variant type: single nucleotide variant.
Coding change: c.*1542C>T on transcript NM_000212.3 (MANE Select); 1542 bases downstream of the stop codon, C replaced by T.
Molecular consequence: 3 prime UTR variant.
Genome position (GRCh38, 1-based): chr17:47,311,746, C>T. VCF-style: chr17-47311746-C-T. GRCh37 (hg19) VCF-style: chr17-45389112-C-T.
Identifiers: ClinVar variation 323897 (VCV000323897.5), dbSNP rs73322321, ClinGen allele CA10649566.